The following is an entry in ClinVar:

ClinVar aggregate classification (germline): Pathogenic (1 of 4 stars; one submission).

Conditions:
Cerebral cavernous malformation 3. Also called: Familial Cerebral Cavernous Malformation 3. Identifiers: Orphanet 221061, MedGen C1864040, MONDO:0011305, OMIM 603285.

Submission:

Labcorp Genetics (formerly Invitae), Labcorp
Classification: Pathogenic for Cerebral cavernous malformation 3. Last evaluated: 2021-09-10. Review status: criteria provided, single submitter. Criteria: Invitae Variant Classification Sherloc (09022015). Collection method: clinical testing. Allele origin: germline.
Comment: For these reasons, this variant has been classified as Pathogenic. This variant has not been reported in the literature in individuals affected with PDCD10-related conditions. This variant is not present in population databases (ExAC no frequency). This sequence change creates a premature translational stop signal (p.Phe174Leufs*3) in the PDCD10 gene. While this is not anticipated to result in nonsense mediated decay, it is expected to disrupt the last 39 amino acid(s) of the PDCD10 protein. This variant disrupts a region of the PDCD10 protein in which other variant(s) (p.Arg196*) have been determined to be pathogenic (PMID: 15543491, 30161288). This suggests that this is a clinically significant region of the protein, and that variants that disrupt it are likely to be disease-causing.

Literature cited by the submitters: PubMed 15543491; PubMed 30161288.

NM_007217.4(PDCD10):c.522_528del (p.Phe174fs)

Gene: PDCD10 (programmed cell death 10; minus strand). Cytogenetic location: 3q26.1.
Variant type: Deletion.
Coding change: c.522_528del on transcript NM_007217.4 (MANE Select); coding-DNA positions 522 to 528, 7 bases deleted (CAGTGAT; older notation c.522_528delCAGTGAT).
Protein change: p.Phe174fs; shifts the reading frame from phenylalanine 174.
Molecular consequence: frameshift variant.
Genome position (GRCh38, 1-based): chr3:167,687,263-167,687,269, ATCACTG deleted on the plus strand (CAGTGAT on the coding strand, the reverse complement: PDCD10 is on the minus strand); deleting any 7 consecutive bases within chr3:167,687,263-167,687,270 gives the same sequence; the c. name uses the placement nearest the transcript's 3' end. VCF-style (leftmost placement, unchanged base first): chr3-167687262-TATCACTG-T. GRCh37 (hg19) VCF-style: chr3-167405050-TATCACTG-T.
Other names: c.522_528del, p.Phe174fs (NM_145859.2, NM_145860.2); short protein forms F174fs.
Identifiers: ClinVar variation 1393706 (VCV001393706.6), dbSNP rs2108373966, ClinGen allele CA2573136803.